The following is an entry in ClinVar:

ClinVar aggregate classification (germline): Uncertain significance (1 of 4 stars; one submission).

Submission:

Women's Health and Genetics/Laboratory Corporation of America, LabCorp
Classification: Uncertain significance. Last evaluated: 2021-03-18. Review status: criteria provided, single submitter. Criteria: LabCorp Variant Classification Summary - May 2015. Collection method: clinical testing. Allele origin: germline.
Comment: Variant summary: The variant identified by MLPA or other technology involves the duplication of exons 77-79 (i.e. the last three exons) in the DMD gene. A presumed nomenclature of c.(10921+1_10922-1)_(*2692_?)dup has been designated for the purposes of this classification. It has been assumed that this is a tandem duplication in direct orientation (Richardson_GIM_2018, Newman_AJHG_2015). The variant was absent in 15815 control chromosomes (gnomAD, Structural Variants dataset). The available data on variant occurrences in the general population are insufficient to allow any conclusion about variant significance. To our knowledge, no occurrence of exons 77-79 duplication in individuals affected with Dystrophinopathies and no experimental evidence demonstrating its impact on protein function have been reported. Three ClinVar submitters (evaluation after 2014) cite the variant as uncertain significance. Based on the evidence outlined above, the variant was classified as uncertain significance.

NC_000023.10:g.(?_31137344)_(31152312_31164407)dup

Gene: DMD (dystrophin; minus strand). Cytogenetic location: Xp21.2.
Variant type: Duplication.
Identifiers: ClinVar variation 1050831 (VCV001050831.1).